The following is an entry in ClinVar:

NM_016363.5(GP6):c.*471G>A

Gene: GP6 (glycoprotein VI platelet; minus strand). Cytogenetic location: 19q13.42.
Variant type: single nucleotide variant.
Coding change: c.*471G>A on transcript NM_016363.5 (MANE Select); 471 bases downstream of the stop codon, G replaced by A.
Molecular consequence: 3 prime UTR variant. On other transcripts: missense variant (1).
Genome position (GRCh38, 1-based): chr19:55,014,450, C>T on the plus strand (G>A on the coding strand, the complement: GP6 is on the minus strand). VCF-style: chr19-55014450-C-T. GRCh37 (hg19) VCF-style: chr19-55525818-C-T.
Other names: p.Gly499Ser; c.1495G>A, p.Gly499Ser (NM_001083899.2, LRG_560t3); c.*471G>A (NM_001256017.2, LRG_560t1, LRG_560t2); short protein forms G499S.
Identifiers: ClinVar variation 257412 (VCV000257412.9), dbSNP rs41275822, ClinGen allele CA310121249.

ClinVar aggregate classification (germline): Benign. Review status: criteria provided, multiple submitters, no conflicts (2 of 4 stars). 4 submissions from 4 submitters: Benign (4). Last evaluated 2026-02-01.

Allele frequency attached by ClinVar (database versions not stated): 1000 Genomes Project 0.01278; 1000 Genomes Project 30x 0.01327; TOPMed 0.02198; gnomAD 0.02297 and 0.02358; ExAC 0.02506; ESP Exome Variant Server 0.02507.
gnomAD v4.1: 44,385 of 1,613,282 alleles (2.8%); highest among the groups gnomAD compares: Non-Finnish European, 3.1%; 744 homozygotes.

Submissions (19):

Labcorp Genetics (formerly Invitae), Labcorp
Classification: Benign. Last evaluated: 2026-02-01. Review status: criteria provided, single submitter. Criteria: Invitae Variant Classification Sherloc (09022015). Collection method: clinical testing. Allele origin: germline.

Mayo Clinic Laboratories, Mayo Clinic
Classification: Benign. Last evaluated: 2023-10-05. Review status: criteria provided, single submitter. Criteria: ACMG Guidelines, 2015. Collection method: clinical testing. Allele origin: germline. Observed: 26 variant alleles.
Comment: BS1, BS2, BP4

Breakthrough Genomics
Classification: Benign. Review status: criteria provided, single submitter. Criteria: ACMG Guidelines, 2015. Collection method: not provided. Allele origin: germline. Inheritance: Autosomal recessive inheritance. Affected: yes.

PreventionGenetics, part of Exact Sciences
Classification: Benign. Review status: criteria provided, single submitter. Criteria: ACMG Guidelines, 2015. Collection method: clinical testing. Allele origin: germline.

Dr. Peter K. Rogan Lab, Western University
No classification provided (evidence only). Condition: Acute myeloid leukemia. Review status: no classification provided. Collection method: in vitro. Allele origin: not applicable. Functional consequence: retained intron. Not counted in ClinVar's aggregate classification.

Dr. Peter K. Rogan Lab, Western University
No classification provided (evidence only). Condition: Colon adenocarcinoma. Review status: no classification provided. Collection method: in vitro. Allele origin: not applicable. Functional consequence: retained intron. Not counted in ClinVar's aggregate classification.

Dr. Peter K. Rogan Lab, Western University
No classification provided (evidence only). Condition: Colorectal cancer. Review status: no classification provided. Collection method: in vitro. Allele origin: not applicable. Functional consequence: retained intron. Not counted in ClinVar's aggregate classification.

Dr. Peter K. Rogan Lab, Western University
No classification provided (evidence only). Condition: Uterine corpus endometrial carcinoma. Review status: no classification provided. Collection method: in vitro. Allele origin: not applicable. Functional consequence: retained intron. Not counted in ClinVar's aggregate classification.

Dr. Peter K. Rogan Lab, Western University
No classification provided (evidence only). Condition: Cervical cancer. Review status: no classification provided. Collection method: in vitro. Allele origin: not applicable. Functional consequence: retained intron. Not counted in ClinVar's aggregate classification.

Dr. Peter K. Rogan Lab, Western University
No classification provided (evidence only). Condition: Cervical cancer. Review status: no classification provided. Collection method: in vitro. Allele origin: not applicable. Functional consequence: retained intron. Not counted in ClinVar's aggregate classification.

Dr. Peter K. Rogan Lab, Western University
No classification provided (evidence only). Condition: Cervical cancer. Review status: no classification provided. Collection method: in vitro. Allele origin: not applicable. Functional consequence: retained intron. Not counted in ClinVar's aggregate classification.

Dr. Peter K. Rogan Lab, Western University
No classification provided (evidence only). Condition: Sarcoma. Review status: no classification provided. Collection method: in vitro. Allele origin: not applicable. Functional consequence: retained intron. Not counted in ClinVar's aggregate classification.

Dr. Peter K. Rogan Lab, Western University
No classification provided (evidence only). Condition: Hepatocellular carcinoma. Review status: no classification provided. Collection method: in vitro. Allele origin: not applicable. Functional consequence: retained intron. Not counted in ClinVar's aggregate classification.

Dr. Peter K. Rogan Lab, Western University
No classification provided (evidence only). Condition: Hepatocellular carcinoma. Review status: no classification provided. Collection method: in vitro. Allele origin: not applicable. Functional consequence: retained intron. Not counted in ClinVar's aggregate classification.

Dr. Peter K. Rogan Lab, Western University
No classification provided (evidence only). Condition: Hepatocellular carcinoma. Review status: no classification provided. Collection method: in vitro. Allele origin: not applicable. Functional consequence: retained intron. Not counted in ClinVar's aggregate classification.

Dr. Peter K. Rogan Lab, Western University
No classification provided (evidence only). Condition: Nonpapillary renal cell carcinoma. Review status: no classification provided. Collection method: in vitro. Allele origin: not applicable. Functional consequence: retained intron. Not counted in ClinVar's aggregate classification.

Dr. Peter K. Rogan Lab, Western University
No classification provided (evidence only). Condition: Nonpapillary renal cell carcinoma. Review status: no classification provided. Collection method: in vitro. Allele origin: not applicable. Functional consequence: retained intron. Not counted in ClinVar's aggregate classification.

Dr. Peter K. Rogan Lab, Western University
No classification provided (evidence only). Condition: Ovarian serous cystadenocarcinoma. Review status: no classification provided. Collection method: in vitro. Allele origin: not applicable. Functional consequence: retained intron. Not counted in ClinVar's aggregate classification.

Dr. Peter K. Rogan Lab, Western University
No classification provided (evidence only). Condition: Ovarian serous cystadenocarcinoma. Review status: no classification provided. Collection method: in vitro. Allele origin: not applicable. Functional consequence: retained intron. Not counted in ClinVar's aggregate classification.